The following is an entry in ClinVar:

ClinVar aggregate classification (germline): Uncertain significance (1 of 4 stars; one submission).

Conditions:
Long QT syndrome (LQTS). Identifiers: MedGen C0023976, MeSH D008133, MONDO:0002442. Disease mechanism: loss of function. Inheritance: Various modes of inheritance.

Allele frequency attached by ClinVar (database versions not stated): ExAC 0.00001.

Submission:

Labcorp Genetics (formerly Invitae), Labcorp
Classification: Uncertain significance for Long QT syndrome. Last evaluated: 2022-03-23. Review status: criteria provided, single submitter. Criteria: Invitae Variant Classification Sherloc (09022015). Collection method: clinical testing. Allele origin: germline.
Comment: In summary, the available evidence is currently insufficient to determine the role of this variant in disease. Therefore, it has been classified as a Variant of Uncertain Significance. Algorithms developed to predict the effect of sequence changes on RNA splicing suggest that this variant may create or strengthen a splice site. Algorithms developed to predict the effect of missense changes on protein structure and function are either unavailable or do not agree on the potential impact of this missense change (SIFT: "Tolerated"; PolyPhen-2: "Probably Damaging"; Align-GVGD: "Class C0"). ClinVar contains an entry for this variant (Variation ID: 1006469). This variant has not been reported in the literature in individuals affected with ANK2-related conditions. This variant is not present in population databases (gnomAD no frequency). This sequence change replaces aspartic acid, which is acidic and polar, with valine, which is neutral and non-polar, at codon 2520 of the ANK2 protein (p.Asp2520Val).

NM_001148.6(ANK2):c.7559A>T (p.Asp2520Val)

Genes: ANK2 (ankyrin 2; plus strand), LOC126807137 (CDK7 strongly-dependent group 2 enhancer GRCh37_chr4:114276560-114277759; plus strand). Cytogenetic location: 4q26.
Variant type: single nucleotide variant.
Coding change: c.7559A>T on transcript NM_001148.6 (MANE Select); coding-DNA position 7559, A replaced by T.
Protein change: p.Asp2520Val; replaces aspartic acid 2520 with valine.
Molecular consequence: missense variant. On other transcripts: intron variant (68).
Genome position (GRCh38, 1-based): chr4:113,356,177, A>T. VCF-style: chr4-113356177-A-T. GRCh37 (hg19) VCF-style: chr4-114277333-A-T.
Other names: c.7325A>T, p.Asp2442Val (NM_001386142.1); c.3959A>T, p.Asp1320Val (NM_001386166.1); c.7700A>T, p.Asp2567Val (NM_001386174.1); c.7676A>T, p.Asp2559Val (NM_001386175.1); c.4412-4646A>T (NM_001386186.2, NM_001386148.2); c.4214-4646A>T (NM_001354269.3); c.4292-4646A>T (NM_001386187.2); c.4253-4646A>T (NM_001386147.1); and 35 more; short protein forms D1320V, D2442V, D2520V, D2559V, D2567V.
Identifiers: ClinVar variation 1006469 (VCV001006469.5), dbSNP rs768362982, ClinGen allele CA3051613.